The following is an entry in ClinVar:

ClinVar aggregate classification (germline): Uncertain significance (1 of 4 stars; one submission).

Submission:

GeneDx
Classification: Uncertain significance. Last evaluated: 2025-08-13. Review status: criteria provided, single submitter. Criteria: GeneDx Variant Classification Process June 2021. Collection method: clinical testing. Allele origin: germline. Affected: yes.
Comment: Not observed at significant frequency in large population cohorts (gnomAD); In silico analysis supports that this missense variant has a deleterious effect on protein structure/function; Has not been previously published as pathogenic or benign to our knowledge

NM_000744.7(CHRNA4):c.493G>T (p.Val165Phe)

Gene: CHRNA4 (cholinergic receptor nicotinic alpha 4 subunit; minus strand). Cytogenetic location: 20q13.33.
Variant type: single nucleotide variant.
Coding change: c.493G>T on transcript NM_000744.7 (MANE Select); coding-DNA position 493, G replaced by T.
Protein change: p.Val165Phe; replaces valine 165 with phenylalanine.
Molecular consequence: missense variant. On other transcripts: 5 prime UTR variant (1), non-coding transcript variant (1).
Genome position (GRCh38, 1-based): chr20:63,350,918, C>A on the plus strand (G>T on the coding strand, the complement: CHRNA4 is on the minus strand). VCF-style: chr20-63350918-C-A. GRCh37 (hg19) VCF-style: chr20-61982270-C-A.
Other names: c.-36G>T (NM_001256573.2); short protein forms V165F.
Identifiers: ClinVar variation 4795548 (VCV004795548.1).